The following is an entry in ClinVar:

ClinVar aggregate classification (germline): Uncertain significance. Review status: criteria provided, single submitter (1 of 4 stars). 2 submissions from 2 submitters: Uncertain significance (1). 1 of the submissions does not count toward it. Last evaluated 2022-10-17.

Conditions:
Alstrom syndrome (ALMS). Identifiers: Orphanet 64, MedGen C0268425, MONDO:0008763, OMIM 203800.

Allele frequency attached by ClinVar (database versions not stated): gnomAD exomes below 0.00001; TOPMed 0.00001.
gnomAD v4.1: 3 of 1,612,444 alleles (0.00019%); highest among the groups gnomAD compares: Non-Finnish European, 0.00017%; no homozygotes.

Submissions (2):

Labcorp Genetics (formerly Invitae), Labcorp
Classification: Uncertain significance for Alstrom syndrome. Last evaluated: 2022-10-17. Review status: criteria provided, single submitter. Criteria: Invitae Variant Classification Sherloc (09022015). Collection method: clinical testing. Allele origin: germline.
Comment: This sequence change replaces glutamine, which is neutral and polar, with arginine, which is basic and polar, at codon 2797 of the ALMS1 protein (p.Gln2797Arg). This variant is not present in population databases (gnomAD no frequency). This variant has not been reported in the literature in individuals affected with ALMS1-related conditions. Experimental studies and prediction algorithms are not available or were not evaluated, and the functional significance of this variant is currently unknown. In summary, the available evidence is currently insufficient to determine the role of this variant in disease. Therefore, it has been classified as a Variant of Uncertain Significance.

Natera, Inc.
Classification: Uncertain significance for Alstrom syndrome. Last evaluated: 2025-03-17. Review status: no assertion criteria provided. Collection method: clinical testing. Allele origin: germline. Not counted in ClinVar's aggregate classification.

NM_001378454.1(ALMS1):c.8387A>G (p.Gln2796Arg)

Gene: ALMS1 (ALMS1 centrosome and basal body associated protein; plus strand). Cytogenetic location: 2p13.1.
Variant type: single nucleotide variant.
Coding change: c.8387A>G on transcript NM_001378454.1 (MANE Select); coding-DNA position 8387, A replaced by G.
Protein change: p.Gln2796Arg; replaces glutamine 2796 with arginine.
Molecular consequence: missense variant.
Genome position (GRCh38, 1-based): chr2:73,490,346, A>G. VCF-style: chr2-73490346-A-G. GRCh37 (hg19) VCF-style: chr2-73717473-A-G.
Other names: c.8390A>G, p.Gln2797Arg (NM_015120.4); short protein forms Q2796R, Q2797R.
Identifiers: ClinVar variation 1903778 (VCV001903778.3), dbSNP rs1166275272, ClinGen allele CA347268622.